The following is an entry in ClinVar:

ClinVar aggregate classification (germline): Pathogenic/Likely pathogenic. Review status: criteria provided, multiple submitters, no conflicts (2 of 4 stars). 3 submissions from 3 submitters: Pathogenic (1); Likely pathogenic (1). 1 of the submissions does not count toward it. Last evaluated 2025-07-28.

Conditions:
Myoclonic epilepsy of Lafora 1 (MELF1). Also called: EPM2A-Related Lafora Disease; Epilepsy, progressive myoclonic 2A (Lafora); EPILEPSY, PROGRESSIVE MYOCLONIC, 2A; LAFORA DISEASE 1. Identifiers: MedGen CN377204, MONDO:0958199, OMIM 254780.
Progressive myoclonic epilepsy. Also called: Familial progressive myoclonic epilepsy; Myoclonic Epilepsies, Progressive; Progressive myoclonus epilepsy; Myoclonus epilepsy. Identifiers: Orphanet 308, Orphanet 98261, MedGen C0751778, MONDO:0020074.
Lafora disease. Also called: Epilepsy progressive myoclonic 2; Progressive Myoclonus Epilepsy, Lafora Type. Identifiers: Orphanet 501, MedGen C0751783, MONDO:0009697.

Allele frequency attached by ClinVar (database versions not stated): gnomAD 0.00001; TOPMed 0.00001; gnomAD exomes 0.00002; ExAC 0.00003.
gnomAD v4.1: 37 of 1,613,626 alleles (0.0023%); highest among the groups gnomAD compares: Non-Finnish European, 0.003%; no homozygotes.

Submissions (3):

Labcorp Genetics (formerly Invitae), Labcorp
Classification: Pathogenic for Progressive myoclonic epilepsy. Last evaluated: 2025-07-28. Review status: criteria provided, single submitter. Criteria: Invitae Variant Classification Sherloc (09022015). Collection method: clinical testing. Allele origin: germline.
Comment: This sequence change replaces arginine, which is basic and polar, with cysteine, which is neutral and slightly polar, at codon 108 of the EPM2A protein (p.Arg108Cys). This variant is present in population databases (rs137852915, gnomAD 0.004%). This missense change has been observed in individual(s) with Lafora disease (PMID: 9771710, 11175283). This variant is also known as R107C. ClinVar contains an entry for this variant (Variation ID: 3100). Invitae Evidence Modeling of protein sequence and biophysical properties (such as structural, functional, and spatial information, amino acid conservation, physicochemical variation, residue mobility, and thermodynamic stability) has been performed for this missense variant. However, the output from this modeling did not meet the statistical confidence thresholds required to predict the impact of this variant on EPM2A protein function. Experimental studies are conflicting or provide insufficient evidence to determine the effect of this variant on EPM2A function (PMID: 12019207, 14532330, 14706656, 19403557). For these reasons, this variant has been classified as Pathogenic.

Broad Center for Mendelian Genomics, Broad Institute of MIT and Harvard
Classification: Likely pathogenic for Lafora disease. Last evaluated: 2025-01-06. Review status: criteria provided, single submitter. Criteria: ACMG Guidelines, 2015. Collection method: curation. Allele origin: germline. Inheritance: Autosomal recessive inheritance.
Comment: The p.Arg108Cys variant in EPM2A has been reported in at least two individuals with Lafora disease (PMID: 9771710, 11175283, 12019207, 25270369), and has been identified in 0.003% (35/1179790) of European (non-Finnish) chromosomes by the Genome Aggregation Database (gnomAD; dbSNP ID: rs137852915). Although this variant has been seen in the general population in a heterozygous state, its frequency is low enough to be consistent with a recessive carrier frequency. This variant has also been reported in ClinVar (Variation ID: 3100) and has been interpreted as pathogenic by OMIM and Invitae. Of the affected individuals, at least 1 was a homozygote, and 1 was a compound heterozygote that carried a reported pathogenic variant with unknown phase, which increases the likelihood that the p.Arg108Cys variant is pathogenic (PMID: 9771710, 12019207, 25270369). In vitro functional studies provide some evidence that the p.Arg108Cys variant may impact protein function (PMID: 12019207, 14532330, 14706656, 18029386, 19403557). However, these types of assays may not accurately represent biological function. Computational prediction tools and conservation analyses suggest that this variant may impact the protein, though this information is not predictive enough to determine pathogenicity. The phenotype of individuals homozygous for this variant are highly specific for Lafora disease based on biopsies showing Lafora bodies consistent with disease (PMID: 9771710, 12019207). In summary, although additional studies are required to fully establish its clinical significance, this variant is likely pathogenic for autosomal recessive Lafora disease. ACMG/AMP Criteria applied: PP4, PM3, PP3_moderate, PM2_supporting, PS3_supporting (Richards 2015).

OMIM
Classification: Pathogenic for MYOCLONIC EPILEPSY OF LAFORA 1. Last evaluated: 2005-10-01. Review status: no assertion criteria provided. Collection method: literature only. Allele origin: germline. Not counted in ClinVar's aggregate classification.

Literature cited by the submitters: PubMed 9771710 (cited by Labcorp Genetics (formerly Invitae), Labcorp and OMIM); PubMed 11175283 (cited by Labcorp Genetics (formerly Invitae), Labcorp); PubMed 12019207 (cited by Labcorp Genetics (formerly Invitae), Labcorp); PubMed 14532330 (cited by Labcorp Genetics (formerly Invitae), Labcorp); PubMed 14706656 (cited by Labcorp Genetics (formerly Invitae), Labcorp); PubMed 19403557 (cited by Labcorp Genetics (formerly Invitae), Labcorp); PubMed 16134145 (cited by OMIM).

NM_005670.4(EPM2A):c.322C>T (p.Arg108Cys)

Gene: EPM2A (EPM2A glucan phosphatase, laforin; minus strand). Cytogenetic location: 6q24.3.
Variant type: single nucleotide variant.
Coding change: c.322C>T on transcript NM_005670.4 (MANE Select); coding-DNA position 322, C replaced by T.
Protein change: p.Arg108Cys; replaces arginine 108 with cysteine.
Molecular consequence: missense variant. On other transcripts: 5 prime UTR variant (5), non-coding transcript variant (1).
Genome position (GRCh38, 1-based): chr6:145,686,276, G>A on the plus strand (C>T on the coding strand, the complement: EPM2A is on the minus strand). VCF-style: chr6-145686276-G-A. GRCh37 (hg19) VCF-style: chr6-146007412-G-A.
Other names: NM_005670.4(EPM2A):c.322C>T; c.322C>T, p.Arg108Cys (NM_001018041.2, NM_001360057.2, NM_001368130.1); c.-93C>T (NM_001360064.2, NM_001360071.2, NM_001368131.1); c.-302C>T (NM_001368129.2, NM_001368132.1); short protein forms R108C.
Identifiers: ClinVar variation 3100 (VCV000003100.11), dbSNP rs137852915, ClinGen allele CA252543.